The following is an entry in ClinVar:

ClinVar aggregate classification (germline): Pathogenic (1 of 4 stars; one submission).

Conditions:
Combined immunodeficiency due to MALT1 deficiency. Also called: Immunodeficiency 12. Identifiers: Orphanet 397964, MedGen C3809583, MONDO:0014197, OMIM 615468.

Submission:

Labcorp Genetics (formerly Invitae), Labcorp
Classification: Pathogenic for Immunodeficiency 12. Last evaluated: 2019-12-23. Review status: criteria provided, single submitter. Criteria: Invitae Variant Classification Sherloc (09022015). Collection method: clinical testing. Allele origin: germline.
Comment: A gross deletion of the genomic region encompassing the full coding sequence of the MALT1 gene has been identified. The boundaries of this event are unknown as the deletion extends beyond the assayed region for this gene and therefore may encompass additional genes. This variant has not been reported in the literature in individuals with MALT1-related conditions. Loss-of-function variants in MALT1 are known to be pathogenic (PMID: 23727036, 25627829). For these reasons, this variant has been classified as Pathogenic.

NC_000018.10:g.(?_58671624)_(58747862_?)del

Gene: MALT1 (MALT1 paracaspase; plus strand). Cytogenetic location: 18q21.32.
Variant type: Deletion.
Identifiers: ClinVar variation 831577 (VCV000831577.1).